The following is an entry in ClinVar:

NM_001170629.2(CHD8):c.1732C>T (p.Arg578Cys)

Gene: CHD8 (chromodomain helicase DNA binding protein 8; minus strand). Cytogenetic location: 14q11.2.
Variant type: single nucleotide variant.
Coding change: c.1732C>T on transcript NM_001170629.2 (MANE Select); coding-DNA position 1732, C replaced by T.
Protein change: p.Arg578Cys; replaces arginine 578 with cysteine.
Molecular consequence: missense variant.
Genome position (GRCh38, 1-based): chr14:21,415,892, G>A on the plus strand (C>T on the coding strand, the complement: CHD8 is on the minus strand). VCF-style: chr14-21415892-G-A. GRCh37 (hg19) VCF-style: chr14-21884051-G-A.
Other names: c.895C>T, p.Arg299Cys (NM_020920.4); c.1732C>T (NM_001170629.1); short protein forms R299C, R578C.
Identifiers: ClinVar variation 870572 (VCV000870572.6), dbSNP rs1888700304, ClinGen allele CA388880070.

ClinVar aggregate classification (germline): Likely pathogenic. Review status: criteria provided, multiple submitters, no conflicts (2 of 4 stars). 2 submissions from 2 submitters: Likely pathogenic (2). Last evaluated 2025-09-10.

Conditions:
Macrocephaly. Also called: large head; Macrocephalus. Identifiers: MedGen C2243051, HP:0000256.
Congenital ptosis. Identifiers: Orphanet 91411, MedGen C0266573, MONDO:0008340, HP:0007970.
Overgrowth. Identifiers: MedGen C1849265, HP:0001548.
Fatigable weakness. Identifiers: MedGen C0947912, HP:0003473.
Increased muscle fatiguability. Also called: Muscle fatigue. Identifiers: MedGen C4025573, HP:0003750.

Allele frequency attached by ClinVar (database versions not stated): gnomAD exomes below 0.00001.

Submissions (2):

GeneDx
Classification: Likely pathogenic. Last evaluated: 2025-09-10. Review status: criteria provided, single submitter. Criteria: GeneDx Variant Classification Process June 2021. Collection method: clinical testing. Allele origin: germline.
Comment: Not observed at significant frequency in large population cohorts (gnomAD); In silico analysis supports that this missense variant has a deleterious effect on protein structure/function; This variant is associated with the following publications: (PMID: 36182950, 32267004)

Charité Universitätsmedizin Berlin, Charite Universitaetsmedizin Berlin
Classification: Likely pathogenic for Macrocephaly; Fatigable weakness; Congenital ptosis; Increased muscle fatiguability; Overgrowth. Last evaluated: 2019-12-04. Review status: criteria provided, single submitter. Criteria: ACMG Guidelines, 2015. Collection method: research. Allele origin: de novo, not applicable. Inheritance: Autosomal dominant inheritance. Affected: yes. Observed: 1 heterozygote.
Comment: According to the standards and guidelines for the Interpretation of Sequence Variants developed by the American College of Medical Genetics and Genomics, the p.(R578C) variant can be classified as likely pathogenic sequence variation, because it occurred spontaneously in the patients and was absent in the parents (PS2), and in controls from the gnomAD database (PM2), the affected gene is known to cause a large part of the phenotype if mutated (PP4), and computational evidence supports a deleterious effect of the mutation on the gene (PP3). Moreover, immunohistological stainings showed presence of CHD8 protein at the neuromuscular junction in accordance to our hypothesis, that CHD8 plays a structural role at the neuromuscular junction. In summary, the R578C variant meets our criteria to be classified as likely pathogenic based upon segregation studies, absence from controls and immunohistological evidence.

Literature cited by the submitters: PubMed 32267004 (cited by Charité Universitätsmedizin Berlin, Charite Universitaetsmedizin Berlin).